The following is an entry in ClinVar:

NM_001015880.2(PAPSS2):c.381+24dup

Gene: PAPSS2 (3'-phosphoadenosine 5'-phosphosulfate synthase 2; plus strand). Cytogenetic location: 10q23.31.
Variant type: Duplication.
Coding change: c.381+24dup on transcript NM_001015880.2 (MANE Select); 24 bases into the intron after coding-DNA position 381, one base duplicated (A; older notation c.381+24dupA).
Molecular consequence: intron variant.
Genome position (GRCh38, 1-based): chr10:87,713,334, A duplicated; the last of 22 consecutive A bases (chr10:87,713,313-87,713,334); duplicating any one gives the same sequence. VCF-style (leftmost placement, unchanged base first): chr10-87713312-T-TA. GRCh37 (hg19) VCF-style: chr10-89473069-T-TA.
Other names: p.?; c.381+24dup (NM_004670.4).
Identifiers: ClinVar variation 1206153 (VCV001206153.4), dbSNP rs367885911, ClinGen allele CA211258791.

ClinVar aggregate classification (germline): Benign/Likely benign. Review status: criteria provided, multiple submitters, no conflicts (2 of 4 stars). 4 submissions from 4 submitters: Benign (1); Likely benign (1). 2 of the submissions do not count toward it. Last evaluated 2025-02-16.

Submissions (4):

Laboratory of Genetics, Children's Clinical University Hospital Latvia
Classification: Benign. Last evaluated: 2025-02-16. Review status: criteria provided, single submitter. Criteria: ACMG Guidelines, 2015. Collection method: clinical testing. Allele origin: germline. Affected: yes.

Mayo Clinic Laboratories, Mayo Clinic
Classification: Likely benign. Last evaluated: 2024-11-18. Review status: criteria provided, single submitter. Criteria: ACMG Guidelines, 2015. Collection method: clinical testing. Allele origin: germline. Observed: 1 variant allele.
Comment: BP4, BP7

Clinical Genetics DNA and cytogenetics Diagnostics Lab, Erasmus MC, Erasmus Medical Center
Classification: Likely benign. Review status: no assertion criteria provided. Collection method: clinical testing. Allele origin: germline. Affected: yes. Study: VKGL Data-share Consensus. Not counted in ClinVar's aggregate classification.

Laboratory of Diagnostic Genome Analysis, Leiden University Medical Center (LUMC)
Classification: Likely benign. Review status: no assertion criteria provided. Collection method: clinical testing. Allele origin: germline. Affected: yes. Study: VKGL Data-share Consensus. Not counted in ClinVar's aggregate classification.